The following is an entry in ClinVar:

ClinVar aggregate classification (germline): Likely benign. Review status: criteria provided, multiple submitters, no conflicts (2 of 4 stars). 2 submissions from 2 submitters: Likely benign (2). Last evaluated 2023-04-01.

Conditions:
Epidermolysis bullosa simplex 5B, with muscular dystrophy (EBS5B). Also called: EPIDERMOLYSIS BULLOSA SIMPLEX AND LIMB-GIRDLE MUSCULAR DYSTROPHY; Epidermolysis bullosa simplex with muscular dystrophy. Identifiers: Orphanet 257, MedGen C2931072, MONDO:0009181, OMIM 226670.
Epidermolysis bullosa simplex 5C, with pyloric atresia (EBS5C). Also called: PLEC1-Related Epidermolysis Bullosa with Pyloric Atresia; PLEC-Related Epidermolysis Bullosa with Pyloric Atresia; Epidermolysis bullosa simplex with pyloric atresia. Identifiers: Orphanet 158684, MedGen C2677349, MONDO:0012807, OMIM 612138.
Epidermolysis bullosa simplex with nail dystrophy (EBS5D). Identifiers: MedGen C4225309, MONDO:0014661, OMIM 616487.
Epidermolysis bullosa simplex, Ogna type (EBS5A). Also called: Pidermolysis bullosa simplex 5A, Ogna type; EPIDERMOLYSIS BULLOSA SIMPLEX 5A, OGNA TYPE. Identifiers: Orphanet 79401, MedGen C0432317, MONDO:0007555, OMIM 131950.
Autosomal recessive limb-girdle muscular dystrophy type 2Q (LGMDR17). Also called: MUSCULAR DYSTROPHY, LIMB-GIRDLE, AUTOSOMAL RECESSIVE 17. Identifiers: Orphanet 254361, MedGen C3150989, MONDO:0013390, OMIM 613723.

Submissions (2):

CeGaT Center for Human Genetics Tuebingen
Classification: Likely benign. Last evaluated: 2023-04-01. Review status: criteria provided, single submitter. Criteria: CeGaT Center For Human Genetics Tuebingen Variant Classification Criteria Version 2. Collection method: clinical testing. Allele origin: germline. Affected: yes. Observed: 1 variant allele.
Comment: PLEC: PM2:Supporting, BP4, BP7

Labcorp Genetics (formerly Invitae), Labcorp
Classification: Likely benign for Autosomal recessive limb-girdle muscular dystrophy type 2Q; Epidermolysis bullosa simplex, Ogna type; Epidermolysis bullosa simplex with nail dystrophy; Epidermolysis bullosa simplex 5C, with pyloric atresia; Epidermolysis bullosa simplex 5B, with muscular dystrophy. Last evaluated: 2022-03-09. Review status: criteria provided, single submitter. Criteria: Invitae Variant Classification Sherloc (09022015). Collection method: clinical testing. Allele origin: germline.

NM_201384.3(PLEC):c.10221G>A (p.Leu3407=)

Gene: PLEC (plectin; minus strand). Cytogenetic location: 8q24.3.
Variant type: single nucleotide variant.
Coding change: c.10221G>A on transcript NM_201384.3 (MANE Select); coding-DNA position 10221, G replaced by A.
Protein change: p.Leu3407=; no amino-acid change (leucine 3407 retained).
Molecular consequence: synonymous variant.
Genome position (GRCh38, 1-based): chr8:143,919,600, C>T on the plus strand (G>A on the coding strand, the complement: PLEC is on the minus strand). VCF-style: chr8-143919600-C-T. GRCh37 (hg19) VCF-style: chr8-144993768-C-T.
Other names: c.10302G>A, p.Leu3434= (NM_000445.5); c.10179G>A, p.Leu3393= (NM_201378.4); c.10155G>A, p.Leu3385= (NM_201379.3); c.10632G>A, p.Leu3544= (NM_201380.4); c.10125G>A, p.Leu3375= (NM_201381.3); c.10221G>A, p.Leu3407= (NM_201382.4); c.10233G>A, p.Leu3411= (NM_201383.3).
Identifiers: ClinVar variation 1135764 (VCV001135764.33), dbSNP rs797044719, ClinGen allele CA463529864.